The following is an entry in ClinVar:

ClinVar aggregate classification (germline): Likely benign (0 of 4 stars; one submission).

Conditions:
TENM1-related disorder. Also called: TENM1-related condition.

Allele frequency attached by ClinVar (database versions not stated): TOPMed below 0.00001; gnomAD 0.00001; gnomAD exomes 0.00009; ExAC 0.00022.
gnomAD v4.1: 97 of 1,131,246 alleles (0.0086%); highest among the groups gnomAD compares: South Asian, 0.18%; no homozygotes.

Submission:

PreventionGenetics, part of Exact Sciences
Classification: Likely benign for TENM1-related condition. Last evaluated: 2019-12-26. Review status: no assertion criteria provided. Collection method: clinical testing. Allele origin: germline.
Comment: This variant is classified as likely benign based on ACMG/AMP sequence variant interpretation guidelines (Richards et al. 2015 PMID: 25741868, with internal and published modifications).

NM_001163278.2(TENM1):c.3928G>A (p.Ala1310Thr)

Gene: TENM1 (teneurin transmembrane protein 1; minus strand). Cytogenetic location: Xq25.
Variant type: single nucleotide variant.
Coding change: c.3928G>A on transcript NM_001163278.2 (MANE Select); coding-DNA position 3928, G replaced by A.
Protein change: p.Ala1310Thr; replaces alanine 1310 with threonine.
Molecular consequence: missense variant.
Genome position (GRCh38, 1-based): chrX:124,481,753, C>T on the plus strand (G>A on the coding strand, the complement: TENM1 is on the minus strand). VCF-style: chrX-124481753-C-T. GRCh37 (hg19) VCF-style: chrX-123615603-C-T.
Other names: c.3925G>A, p.Ala1309Thr (NM_001163279.1); c.3907G>A, p.Ala1303Thr (NM_014253.3); short protein forms A1303T, A1309T, A1310T.
Identifiers: ClinVar variation 3034983 (VCV003034983.2), dbSNP rs764524762, ClinGen allele CA10509884.